The following is an entry in ClinVar:

NM_004415.4(DSP):c.6759C>A (p.Phe2253Leu)

Gene: DSP (desmoplakin; plus strand). Cytogenetic location: 6p24.3.
Variant type: single nucleotide variant.
Coding change: c.6759C>A on transcript NM_004415.4 (MANE Select); coding-DNA position 6759, C replaced by A.
Protein change: p.Phe2253Leu; replaces phenylalanine 2253 with leucine.
Molecular consequence: missense variant.
Genome position (GRCh38, 1-based): chr6:7,584,021, C>A. VCF-style: chr6-7584021-C-A. GRCh37 (hg19) VCF-style: chr6-7584254-C-A.
Other names: c.4962C>A, p.Phe1654Leu (NM_001008844.3); c.5430C>A, p.Phe1810Leu (NM_001319034.2); short protein forms F1654L, F1810L, F2253L.
Identifiers: ClinVar variation 3386707 (VCV003386707.1).
Genomic context (GRCh38, chr6:7,584,021, plus strand): 5'-CAATGAACTGGAATCTGGTCAGATTTCTTATGACGAGGTTGGTGAGAGAATTAAGGACTT[C>A]CTCCAGGGTTCAAGCTGCATAGCAGGCATATACAATGAGACCACAAAACAGAAGCTTGGC-3'
Protein context (NP_004406.2, residues 2243-2263): YDEVGERIKD[Phe2253Leu]LQGSSCIAGI

ClinVar aggregate classification (germline): Uncertain significance (1 of 4 stars; one submission).

Conditions:
Arrhythmogenic cardiomyopathy with wooly hair and keratoderma. Also called: Carvajal syndrome; PALMOPLANTAR KERATODERMA WITH LEFT VENTRICULAR CARDIOMYOPATHY AND WOOLLY HAIR; Dilated cardiomyopathy with woolly hair and keratoderma; Arrhythmogenic cardiomyopathy with woolly hair and keratoderma. Identifiers: Orphanet 65282, MedGen C1854063, MONDO:0011581, OMIM 605676.

Submission:

All of Us Research Program, National Institutes of Health
Classification: Uncertain significance for Arrhythmogenic cardiomyopathy with wooly hair and keratoderma. Last evaluated: 2024-03-24. Review status: criteria provided, single submitter. Criteria: ACMG Guidelines, 2015. Collection method: clinical testing. Allele origin: germline. Inheritance: Autosomal dominant inheritance. Observed: 2 variant alleles, 2 heterozygotes.
Comment: This missense variant replaces phenylalanine with leucine at codon 2253 of the DSP protein. Computational prediction suggests that this variant may not impact protein structure and function (internally defined REVEL score threshold <= 0.5, PMID: 27666373). To our knowledge, functional studies have not been reported for this variant. This variant has not been reported in individuals affected with DSP-related disorders in the literature. This variant has not been identified in the general population by the Genome Aggregation Database (gnomAD). The available evidence is insufficient to determine the role of this variant in disease conclusively. Therefore, this variant is classified as a Variant of Uncertain Significance.

This study involves interpretation of variants in research participants for the purpose of population health screening. Participant phenotype was not available at the time of variant classification. Additional details can be found in publication PMID: 35346344, PMCID: PMC8962531